The following is an entry in ClinVar:

ClinVar aggregate classification (germline): Likely pathogenic (1 of 4 stars; one submission).

Conditions:
Ethylmalonic encephalopathy (EE). Also called: EPEMA syndrome; Encephalopathy, petechiae, and ethylmalonic aciduria; Syndrome of encephalopathy, petechiae, and ethylmalonic aciduria. Identifiers: Orphanet 51188, MedGen C1865349, MONDO:0011229, OMIM 602473. Disease mechanism: loss of function.

Submission:

Victorian Clinical Genetics Services, Murdoch Childrens Research Institute
Classification: Likely pathogenic for Ethylmalonic encephalopathy. Last evaluated: 2023-07-17. Review status: criteria provided, single submitter. Criteria: ACMG Guidelines, 2015. Collection method: clinical testing. Allele origin: germline. Inheritance: Autosomal recessive inheritance. Affected: yes.
Comment: Based on the classification scheme VCGS_Germline_v1.3.4, this variant is classified as Likely pathogenic. Following criteria are met: 0102 - Loss of function is a known mechanism of disease in this gene and is associated with ethylmalonic encephalopathy (MIM#602473). (I) 0106 - This gene is associated with autosomal recessive disease. (I) 0200 - Variant is predicted to result in a missense amino acid change from threonine to isoleucine. (I) 0252 - This variant is homozygous. (I) 0301 - Variant is absent from gnomAD (both v2 and v3). (SP) 0501 - Missense variant consistently predicted to be damaging by multiple in silico tools or highly conserved with a major amino acid change. (SP) 0600 - Variant is located in the annotated lactamase_B domain (DECIPHER). (I) 0705 - No comparable missense variants have previous evidence for pathogenicity. (I) 0807 - This variant has no previous evidence of pathogenicity. (I) 0905 - No published segregation evidence has been identified for this variant. (I) 1005 - Clinically accredited laboratory assay specific to gene product shows abnormal protein function. (I) Legend: (SP) - Supporting pathogenic, (I) - Information, (SB) - Supporting benign

NM_014297.5(ETHE1):c.233C>T (p.Thr78Ile)

Gene: ETHE1 (ETHE1 persulfide dioxygenase; minus strand). Cytogenetic location: 19q13.31.
Variant type: single nucleotide variant.
Coding change: c.233C>T on transcript NM_014297.5 (MANE Select); coding-DNA position 233, C replaced by T.
Protein change: p.Thr78Ile; replaces threonine 78 with isoleucine.
Molecular consequence: missense variant. On other transcripts: intron variant (3).
Genome position (GRCh38, 1-based): chr19:43,526,343, G>A on the plus strand (C>T on the coding strand, the complement: ETHE1 is on the minus strand). VCF-style: chr19-43526343-G-A. GRCh37 (hg19) VCF-style: chr19-44030495-G-A.
Other names: c.81+754C>T (NM_001320869.2); c.6+172C>T (NM_001320868.2); c.227-27C>T (NM_001320867.2); short protein forms T78I.
Identifiers: ClinVar variation 3255123 (VCV003255123.1), dbSNP rs1972246084.